The following is an entry in ClinVar:

NM_002439.5(MSH3):c.580-11T>C

Gene: MSH3 (mutS homolog 3; plus strand). Cytogenetic location: 5q14.1.
Variant type: single nucleotide variant.
Coding change: c.580-11T>C on transcript NM_002439.5 (MANE Select); 11 bases into the intron before coding-DNA position 580, T replaced by C.
Molecular consequence: intron variant.
Genome position (GRCh38, 1-based): chr5:80,670,086, T>C. VCF-style: chr5-80670086-T-C. GRCh37 (hg19) VCF-style: chr5-79965905-T-C.
Identifiers: ClinVar variation 1602157 (VCV001602157.10), dbSNP rs2112812086, ClinGen allele CA2573139853.
Genomic context (GRCh38, chr5:80,670,086, plus strand): 5'-CATTTTCCGTCTCTGGGAACTTATTATTGTGGTTAATATTTTTAAAACTTTATACATCTT[T>C]TGGTTGCCAGGACACAACACTTTTTGATCTCAGTCAGTTTGGATCATCAAATACAAGTCA-3'

ClinVar aggregate classification (germline): Conflicting classifications of pathogenicity. Review status: criteria provided, conflicting classifications (1 of 4 stars). 3 submissions from 3 submitters: Uncertain significance (1); Likely benign (2). Last evaluated 2025-12-29.

Conditions:
Hereditary cancer-predisposing syndrome. Also called: Tumor predisposition; Hereditary neoplastic syndrome; Neoplastic Syndromes, Hereditary; Hereditary Cancer Syndrome. Identifiers: Orphanet 140162, MedGen C0027672, MeSH D009386, MONDO:0015356.

Allele frequency attached by ClinVar (database versions not stated): gnomAD exomes below 0.00001.
gnomAD v4.1: 3 of 1,613,234 alleles (0.00019%); highest among the groups gnomAD compares: Non-Finnish European, 0.00017%; no homozygotes.

Submissions (3):

Center for Genomic Medicine, Rigshospitalet, Copenhagen University Hospital
Classification: Likely benign. Last evaluated: 2025-12-29. Review status: criteria provided, single submitter. Criteria: ACMG Guidelines, 2015. Collection method: clinical testing. Allele origin: germline.

Labcorp Genetics (formerly Invitae), Labcorp
Classification: Likely benign. Last evaluated: 2025-04-08. Review status: criteria provided, single submitter. Criteria: Invitae Variant Classification Sherloc (09022015). Collection method: clinical testing. Allele origin: germline.

Sema4
Classification: Uncertain significance for Hereditary cancer-predisposing syndrome. Last evaluated: 2022-02-22. Review status: criteria provided, single submitter. Criteria: Sema4 Curation Guidelines. Collection method: curation. Allele origin: germline.
Comment: The MSH3 c.580-11T>C variant has not been reported in the literature to our knowledge. It was not observed in the large and broad cohorts of the Genome Aggregation Database (PMID: 32461654). This variant has not been reported in ClinVar. In silico tools suggest that the variant does not impact splicing, though these predictions have not been confirmed by functional studies. The evidence is insufficient to meet ACMG/AMP criteria for classifying the variant as benign or pathogenic. Thus, the clinical significance of this variant is currently uncertain.